The following is an entry in ClinVar:

NM_001267550.2(TTN):c.89084dup (p.Thr29696fs)

Genes: TTN (titin; minus strand), TTN-AS1 (TTN antisense RNA 1; plus strand). Cytogenetic location: 2q31.2.
Variant type: Duplication.
Coding change: c.89084dup on transcript NM_001267550.2 (MANE Select); coding-DNA position 89084, one base duplicated (T; older notation c.89084dupT).
Protein change: p.Thr29696fs; shifts the reading frame from threonine 29696.
Molecular consequence: frameshift variant.
Genome position (GRCh38, 1-based): chr2:178,554,027, A duplicated on the plus strand (T on the coding strand, the reverse complement: TTN is on the minus strand). VCF-style (leftmost placement, unchanged base first): chr2-178554026-T-TA. GRCh37 (hg19) VCF-style: chr2-179418753-T-TA.
Other names: c.84161dupT (NM_001256850.1); c.84161dup, p.Thr28055fs (NM_001256850.1); c.61889dup, p.Thr20631fs (NM_003319.4); c.81380dup, p.Thr27128fs (NM_133378.4); c.62264dup, p.Thr20756fs (NM_133432.3); c.62465dup, p.Thr20823fs (NM_133437.4); c.89084dup (NM_001267550.1); short protein forms T20631fs, T27128fs, T29696fs, T20756fs, T20823fs, T28055fs.
Identifiers: ClinVar variation 524053 (VCV000524053.3), dbSNP rs1553544064, ClinGen allele CA658795973.

ClinVar aggregate classification (germline): Likely pathogenic (1 of 4 stars; one submission).

Submission:

GeneDx
Classification: Likely pathogenic. Last evaluated: 2026-02-04. Review status: criteria provided, single submitter. Criteria: GeneDx Variant Classification Process June 2021. Collection method: clinical testing. Allele origin: germline. Affected: yes.
Comment: Frameshift variant predicted to result in protein truncation or nonsense mediated decay in a gene for which loss of function is a known mechanism of disease; Located in the A-band, a region of TTN for which truncating variants are significantly associated with autosomal dominant cardiomyopathy and also with autosomal recessive skeletal myopathies (PMID: 22335739, 32778822); Not observed at significant frequency in large population cohorts (gnomAD); Has not been previously published as pathogenic or benign to our knowledge; This variant is associated with the following publications: (PMID: 22335739, 32778822)